The following is an entry in ClinVar:

ClinVar aggregate classification (germline): Likely pathogenic (1 of 4 stars; one submission).

Conditions:
Pelizaeus-Merzbacher disease. Also called: Sudanophilic leukodystrophy; Pelizeaus-Merzbacher spectrum disorder; Pelizaeus-Merzbacher spectrum disorder; Pelizaeus-Merzbacher Disease (PMD); LEUKODYSTROPHY, HYPOMYELINATING, 1. Identifiers: Orphanet 702, MedGen C0205711, MONDO:0010714, OMIM 312080, HP:0003269.

Submission:

Shanghai First Maternity and Infant Hospital, Tongji University
Classification: Likely pathogenic for Pelizaeus-Merzbacher disease. Last evaluated: 2020-02-10. Review status: criteria provided, single submitter. Criteria: ACMG Guidelines, 2015. Collection method: clinical testing. Allele origin: de novo. Inheritance: X-linked recessive inheritance. Affected: yes. Observed: 1 hemizygote.
Comment: It has been reported twice in Chinese patients with PMD and reported as de novo (unknown paternity confirmation) (PMID:25491635,29451896). Phenotype of the patients consistent with gene but not highly specific. Functional analysis in cell lines suggested potential effect of this variant on protein localization (PMID: 25491635). Alternative variant p.Phe237Ser has been reported (PMID:8956049). Multiple lines of computational evidence support a deleterious effect on the gene /gene product (REVEL = 0.878).

Literature cited by the submitters: PubMed 29451896; PubMed 25491635.

NM_000533.5(PLP1):c.709T>G (p.Phe237Val)

Genes: PLP1 (proteolipid protein 1; plus strand), RAB9B (RAB9B, member RAS oncogene family; minus strand). Cytogenetic location: Xq22.2.
Variant type: single nucleotide variant.
Coding change: c.709T>G on transcript NM_000533.5 (MANE Select); coding-DNA position 709, T replaced by G.
Protein change: p.Phe237Val; replaces phenylalanine 237 with valine.
Molecular consequence: missense variant.
Genome position (GRCh38, 1-based): chrX:103,789,345, T>G. VCF-style: chrX-103789345-T-G. GRCh37 (hg19) VCF-style: chrX-103044274-T-G.
Other names: c.709T>G, p.Phe237Val (NM_001128834.3); c.544T>G, p.Phe182Val (NM_001305004.1); c.604T>G, p.Phe202Val (NM_199478.3); short protein forms F182V, F237V, F202V.
Identifiers: ClinVar variation 816628 (VCV000816628.3), dbSNP rs1602385663, ClinGen allele CA414104540.